The following is an entry in ClinVar:

ClinVar aggregate classification (germline): Uncertain significance. Review status: criteria provided, multiple submitters, no conflicts (2 of 4 stars). 2 submissions from 2 submitters: Uncertain significance (2). Last evaluated 2022-06-28.

Conditions:
Inborn genetic diseases. Identifiers: MedGen C0950123, MeSH D030342.

Allele frequency attached by ClinVar (database versions not stated): ExAC 0.00001; gnomAD exomes 0.00001; gnomAD 0.00003; TOPMed 0.00003; 1000 Genomes Project 30x 0.00016; 1000 Genomes Project 0.00020.
gnomAD v4.1: 12 of 1,612,880 alleles (0.00074%); highest among the groups gnomAD compares: Admixed American, 0.005%; no homozygotes.

Submissions (2):

Ambry Genetics
Classification: Uncertain significance for Inborn genetic diseases. Last evaluated: 2022-06-28. Review status: criteria provided, single submitter. Criteria: Ambry Variant Classification Scheme 2023. Collection method: clinical testing. Allele origin: germline.

Labcorp Genetics (formerly Invitae), Labcorp
Classification: Uncertain significance. Last evaluated: 2022-06-04. Review status: criteria provided, single submitter. Criteria: Invitae Variant Classification Sherloc (09022015). Collection method: clinical testing. Allele origin: germline.
Comment: This sequence change replaces threonine, which is neutral and polar, with methionine, which is neutral and non-polar, at codon 584 of the SLC4A11 protein (p.Thr584Met). This variant is present in population databases (rs538658493, gnomAD 0.006%). This variant has not been reported in the literature in individuals affected with SLC4A11-related conditions. ClinVar contains an entry for this variant (Variation ID: 1411222). Algorithms developed to predict the effect of missense changes on protein structure and function are either unavailable or do not agree on the potential impact of this missense change (SIFT: "Deleterious"; PolyPhen-2: "Probably Damaging"; Align-GVGD: "Class C0"). In summary, the available evidence is currently insufficient to determine the role of this variant in disease. Therefore, it has been classified as a Variant of Uncertain Significance.

NM_001174089.2(SLC4A11):c.1703C>T (p.Thr568Met)

Gene: SLC4A11 (solute carrier family 4 member 11; minus strand). Cytogenetic location: 20p13.
Variant type: single nucleotide variant.
Coding change: c.1703C>T on transcript NM_001174089.2 (MANE Select); coding-DNA position 1703, C replaced by T.
Protein change: p.Thr568Met; replaces threonine 568 with methionine.
Molecular consequence: missense variant. On other transcripts: non-coding transcript variant (1).
Genome position (GRCh38, 1-based): chr20:3,229,563, G>A on the plus strand (C>T on the coding strand, the complement: SLC4A11 is on the minus strand). VCF-style: chr20-3229563-G-A. GRCh37 (hg19) VCF-style: chr20-3210209-G-A.
Other names: c.1832C>T, p.Thr611Met (NM_001174090.2); c.1589C>T, p.Thr530Met (NM_001363745.2); c.1751C>T, p.Thr584Met (NM_032034.4); c.1751C>T (NM_032034.3); short protein forms T584M, T611M, T568M, T530M.
Identifiers: ClinVar variation 1411222 (VCV001411222.4), dbSNP rs538658493, ClinGen allele CA9741753.